The following is an entry in ClinVar:

NM_000260.4(MYO7A):c.4043_4044del (p.Lys1348fs)

Gene: MYO7A (myosin VIIA; plus strand). Cytogenetic location: 11q13.5.
Variant type: Deletion.
Coding change: c.4043_4044del on transcript NM_000260.4 (MANE Select); coding-DNA positions 4043 to 4044, 2 bases deleted (AA; older notation c.4043_4044delAA).
Protein change: p.Lys1348fs; shifts the reading frame from lysine 1348.
Molecular consequence: frameshift variant.
Genome position (GRCh38, 1-based): chr11:77,192,169-77,192,170, AA deleted; deleting any 2 consecutive bases within chr11:77,192,168-77,192,170 gives the same sequence; the c. name uses the placement nearest the transcript's 3' end. VCF-style (leftmost placement, unchanged base first): chr11-77192167-CAA-C. GRCh37 (hg19) VCF-style: chr11-76903212-CAA-C.
Other names: c.4043_4044del, p.Lys1348fs (NM_001127180.2); c.4010_4011del, p.Lys1337fs (NM_001369365.1); short protein forms K1337fs, K1348fs.
Identifiers: ClinVar variation 2089419 (VCV002089419.4), dbSNP rs2497411466, ClinGen allele CA2580085024.
Genomic context (GRCh38, chr11:77,192,167, plus strand): 5'-GCAGTACGCCAAGGAGCAGGGCGCCCAGGAGCGCAACGCCCCCTGGAGGCTCTTCTTCCG[CAA>C]AGAGGTCTTCACGCCCTGGCACAGCCCCTCCGAGGACAACGTGGCCACCAACCTCATCTA-3'

ClinVar aggregate classification (germline): Pathogenic (1 of 4 stars; one submission).

Submission:

Labcorp Genetics (formerly Invitae), Labcorp
Classification: Pathogenic. Last evaluated: 2022-02-03. Review status: criteria provided, single submitter. Criteria: Invitae Variant Classification Sherloc (09022015). Collection method: clinical testing. Allele origin: germline.
Comment: For these reasons, this variant has been classified as Pathogenic. This variant has not been reported in the literature in individuals affected with MYO7A-related conditions. This variant is not present in population databases (gnomAD no frequency). This sequence change creates a premature translational stop signal (p.Lys1348Argfs*35) in the MYO7A gene. It is expected to result in an absent or disrupted protein product. Loss-of-function variants in MYO7A are known to be pathogenic (PMID: 8900236, 25404053).

Literature cited by the submitters: PubMed 8900236; PubMed 25404053.